The following is an entry in ClinVar:

ClinVar aggregate classification (germline): Pathogenic (1 of 4 stars; one submission).

Conditions:
Peripheral neuropathy, autosomal recessive, with or without impaired intellectual development. Identifiers: MedGen C4748283, MONDO:0029131, OMIM 618124.

Submission:

Victorian Clinical Genetics Services, Murdoch Childrens Research Institute
Classification: Pathogenic for Peripheral neuropathy, autosomal recessive, with or without impaired intellectual development. Last evaluated: 2021-05-06. Review status: criteria provided, single submitter. Criteria: ACMG Guidelines, 2015. Collection method: clinical testing. Allele origin: germline. Inheritance: Autosomal recessive inheritance. Affected: yes.
Comment: Based on the classification scheme VCGS_Germline_v1.3.3, this variant is classified as Pathogenic. Following criteria are met: 0102 - Loss of function is a known mechanism of disease in this gene and is associated with peripheral neuropathy, with or without impaired intellectual development (MIM#618124). (I) 0106 - This gene is associated with autosomal recessive disease. (I) 0201 - Variant is predicted to cause nonsense-mediated decay (NMD) and loss of protein (premature termination codon is located at least 54 nucleotides upstream of the final exon-exon junction). (SP) 0251 - This variant is heterozygous. (I) 0301 - Variant is absent from gnomAD (both v2 and v3). (SP) 0702 - Other NMD-predicted variants comparable to the one identified in this case have strong previous evidence for pathogenicity. At least 5 other NMD-predicted variants have previously been reported as pathogenic in patients with peripheral neuropathy, with or without impaired intellectual development (MIM#618124) (ClinVar, Decipher). (SP) 0807 - This variant has no previous evidence of pathogenicity. (I) 0905 - No published segregation evidence has been identified for this variant. (I) 1007 - No published functional evidence has been identified for this variant. (I) 1102 - Strong phenotype match for this individual. (I) Legend: (SP) - Supporting pathogenic, (I) - Information, (SB) - Supporting benign

NM_003906.5(MCM3AP):c.584del (p.Pro195fs)

Gene: MCM3AP (minichromosome maintenance complex component 3 associated protein; minus strand). Cytogenetic location: 21q22.3.
Variant type: Deletion.
Coding change: c.584del on transcript NM_003906.5 (MANE Select); coding-DNA position 584, one base deleted (C; older notation c.584delC).
Protein change: p.Pro195fs; shifts the reading frame from proline 195.
Molecular consequence: frameshift variant.
Genome position (GRCh38, 1-based): chr21:46,284,703, G deleted on the plus strand (C on the coding strand, the reverse complement: MCM3AP is on the minus strand); the first of 2 consecutive G bases (chr21:46,284,703-46,284,704); deleting either gives the same sequence. VCF-style (leftmost placement, unchanged base first): chr21-46284702-AG-A. GRCh37 (hg19) VCF-style: chr21-47704616-AG-A.
Other names: short protein forms P195fs.
Identifiers: ClinVar variation 1806138 (VCV001806138.1), dbSNP rs2517439367, ClinGen allele CA1139532837.
Genomic context (GRCh38, chr21:46,284,702, plus strand): 5'-ACTACTAACAGGTTTTGAAAAGGTAAAATTTGAAGTGGTAGCTGAACTACTTGTTACTTG[AG>A]GAAAAGAGAAAGGGGCCAGGCCTCCAGGTGCACTACTAATTGGGTGGGAAAATGTAAAAA-3'